The following is an entry in ClinVar:

NM_001042492.3(NF1):c.992G>A (p.Ser331Asn)

Gene: NF1 (neurofibromin 1; plus strand). Cytogenetic location: 17q11.2.
Variant type: single nucleotide variant.
Coding change: c.992G>A on transcript NM_001042492.3 (MANE Select); coding-DNA position 992, G replaced by A.
Protein change: p.Ser331Asn; replaces serine 331 with asparagine.
Molecular consequence: missense variant.
Genome position (GRCh38, 1-based): chr17:31,200,525, G>A. VCF-style: chr17-31200525-G-A. GRCh37 (hg19) VCF-style: chr17-29527543-G-A.
Other names: c.992G>A, p.Ser331Asn (NM_000267.4, NM_001128147.3); short protein forms S331N.
Identifiers: ClinVar variation 481927 (VCV000481927.6), dbSNP rs1555610899, ClinGen allele CA398996145.

ClinVar aggregate classification (germline): Uncertain significance. Review status: criteria provided, multiple submitters, no conflicts (2 of 4 stars). 2 submissions from 2 submitters: Uncertain significance (2). Last evaluated 2026-06-26.

Conditions:
Hereditary cancer-predisposing syndrome. Also called: Tumor predisposition; Hereditary neoplastic syndrome; Neoplastic Syndromes, Hereditary; Hereditary Cancer Syndrome. Identifiers: Orphanet 140162, MedGen C0027672, MeSH D009386, MONDO:0015356.
Cardiovascular phenotype. Identifiers: MedGen CN230736.

Submissions (2):

Women's Health and Genetics/Laboratory Corporation of America, LabCorp
Classification: Uncertain significance. Last evaluated: 2026-06-26. Review status: criteria provided, single submitter. Criteria: LabCorp Variant Classification Summary - May 2015. Collection method: clinical testing. Allele origin: germline.

Ambry Genetics
Classification: Uncertain significance for Cardiovascular phenotype; Hereditary cancer-predisposing syndrome. Last evaluated: 2016-05-05. Review status: criteria provided, single submitter. Criteria: Ambry Variant Classification Scheme 2023. Collection method: clinical testing. Allele origin: germline.
Comment: The p.S331N variant (also known as c.992G>A), located in coding exon 9 of the NF1 gene, results from a G to A substitution at nucleotide position 992. The serine at codon 331 is replaced by asparagine, an amino acid with highly similar properties. This variant was not reported in population based cohorts in the following databases: Database of Single Nucleotide Polymorphisms (dbSNP), NHLBI Exome Sequencing Project (ESP), and 1000 Genomes Project. In the ESP, this variant was not observed in 6503 samples (13006 alleles) with coverage at this position. To date, this alteration has been detected with an allele frequency of approximately 0.001% (greater than 110000 alleles tested) in our clinical cohort. This amino acid position is highly conserved in available vertebrate species. In addition, this alteration is predicted to be tolerated by in silico analysis. Since supporting evidence is limited at this time, the clinical significance of this alteration remains unclear.